The following is an entry in ClinVar:

ClinVar aggregate classification (germline): Uncertain significance (1 of 4 stars; one submission).

Conditions:
Progressive myoclonic epilepsy. Also called: Myoclonus epilepsy; Progressive myoclonus epilepsy; Familial progressive myoclonic epilepsy; Myoclonic Epilepsies, Progressive. Identifiers: Orphanet 308, Orphanet 98261, MedGen C0751778, MONDO:0020074.

Submission:

Labcorp Genetics (formerly Invitae), Labcorp
Classification: Uncertain significance for Progressive myoclonic epilepsy. Last evaluated: 2022-03-18. Review status: criteria provided, single submitter. Criteria: Invitae Variant Classification Sherloc (09022015). Collection method: clinical testing. Allele origin: germline.
Comment: Experimental studies and prediction algorithms are not available or were not evaluated, and the functional significance of this variant is currently unknown. This variant has not been reported in the literature in individuals affected with SCARB2-related conditions. This variant is present in population databases (rs756112626, gnomAD 0.003%). This sequence change results in a frameshift in the SCARB2 gene (p.Thr478Profs*16). While this is not anticipated to result in nonsense mediated decay, it is expected to disrupt the last 1 amino acid(s) of the SCARB2 protein and extend the protein by 14 additional amino acid residues. In summary, the available evidence is currently insufficient to determine the role of this variant in disease. Therefore, it has been classified as a Variant of Uncertain Significance.

NM_005506.4(SCARB2):c.1432del (p.Thr478fs)

Gene: SCARB2 (scavenger receptor class B member 2; minus strand). Cytogenetic location: 4q21.1.
Variant type: Deletion.
Coding change: c.1432del on transcript NM_005506.4 (MANE Select); coding-DNA position 1432, one base deleted (A; older notation c.1432delA).
Protein change: p.Thr478fs; shifts the reading frame from threonine 478.
Molecular consequence: frameshift variant.
Genome position (GRCh38, 1-based): chr4:76,161,718, T deleted on the plus strand (A on the coding strand, the reverse complement: SCARB2 is on the minus strand); the first of 2 consecutive T bases (chr4:76,161,718-76,161,719); deleting either gives the same sequence. VCF-style (leftmost placement, unchanged base first): chr4-76161717-GT-G. GRCh37 (hg19) VCF-style: chr4-77082870-GT-G.
Other names: c.1003del, p.Thr335fs (NM_001204255.2); short protein forms T335fs, T478fs.
Identifiers: ClinVar variation 1385164 (VCV001385164.6), dbSNP rs756112626, ClinGen allele CA2970080.